The following is an entry in ClinVar:

NM_005245.4(FAT1):c.3189C>T (p.Ala1063=)

Gene: FAT1 (FAT atypical cadherin 1; minus strand). Cytogenetic location: 4q35.2.
Variant type: single nucleotide variant.
Coding change: c.3189C>T on transcript NM_005245.4 (MANE Select); coding-DNA position 3189, C replaced by T.
Protein change: p.Ala1063=; no amino-acid change (alanine 1063 retained).
Molecular consequence: synonymous variant.
Genome position (GRCh38, 1-based): chr4:186,706,639, G>A on the plus strand (C>T on the coding strand, the complement: FAT1 is on the minus strand). VCF-style: chr4-186706639-G-A. GRCh37 (hg19) VCF-style: chr4-187627793-G-A.
Identifiers: ClinVar variation 3058363 (VCV003058363.2), dbSNP rs753587000, ClinGen allele CA3167091.
Genomic context (GRCh38, chr4:186,706,639, plus strand): 5'-TTTGAAAACACCAACGCCAGAGCCATCTCTAATGGAGTATCGGATCTCCCCATCTCTTCT[G>A]GCGTCCTCATCATGAGCCGACACCGTCATTACCAATGAACCAACAGGTGCATCTTCTTTC-3'
Protein context (NP_005236.2, residues 1053-1073): VMTVSAHDED[Ala1063=]RRDGEIRYSI

ClinVar aggregate classification (germline): Likely benign (0 of 4 stars; one submission).

Conditions:
FAT1-related disorder. Also called: FAT1-related condition.

Allele frequency attached by ClinVar (database versions not stated): gnomAD exomes 0.00005; gnomAD 0.00007; ExAC 0.00008; TOPMed 0.00009.
gnomAD v4.1: 87 of 1,613,714 alleles (0.0054%); highest among the groups gnomAD compares: Admixed American, 0.013%; no homozygotes.

Submission:

PreventionGenetics, part of Exact Sciences
Classification: Likely benign for FAT1-related condition. Last evaluated: 2019-04-01. Review status: no assertion criteria provided. Collection method: clinical testing. Allele origin: germline.
Comment: This variant is classified as likely benign based on ACMG/AMP sequence variant interpretation guidelines (Richards et al. 2015 PMID: 25741868, with internal and published modifications).